The following is an entry in ClinVar:

NM_001320714.2(DOP1B):c.1593G>A (p.Thr531=)

Gene: DOP1B (DOP1 leucine zipper like protein B; plus strand). Cytogenetic location: 21q22.12.
Variant type: single nucleotide variant.
Coding change: c.1593G>A on transcript NM_001320714.2 (MANE Select); coding-DNA position 1593, G replaced by A.
Protein change: p.Thr531=; no amino-acid change (threonine 531 retained).
Molecular consequence: synonymous variant.
Genome position (GRCh38, 1-based): chr21:36,227,805, G>A. VCF-style: chr21-36227805-G-A. GRCh37 (hg19) VCF-style: chr21-37600103-G-A.
Other names: c.1593G>A, p.Thr531= (NM_005128.4).
Identifiers: ClinVar variation 2652641 (VCV002652641.24), dbSNP rs138277507, ClinGen allele CA10016359.

ClinVar aggregate classification (germline): Likely benign (1 of 4 stars; one submission).

Allele frequency attached by ClinVar (database versions not stated): 1000 Genomes Project 0.00140; 1000 Genomes Project 30x 0.00172; ExAC 0.00197; ESP Exome Variant Server 0.00231; gnomAD 0.00240; TOPMed 0.00243; gnomAD exomes 0.00299.
gnomAD v4.1: 4,702 of 1,613,588 alleles (0.29%); highest among the groups gnomAD compares: Non-Finnish European, 0.36%; 11 homozygotes.

Submission:

CeGaT Center for Human Genetics Tuebingen
Classification: Likely benign. Last evaluated: 2023-01-01. Review status: criteria provided, single submitter. Criteria: CeGaT Center For Human Genetics Tuebingen Variant Classification Criteria Version 2. Collection method: clinical testing. Allele origin: germline. Affected: yes. Observed: 2 variant alleles.
Comment: DOP1B: BP4, BP7, BS2